The following is an entry in ClinVar:

ClinVar aggregate classification (germline): Uncertain significance. Review status: criteria provided, multiple submitters, no conflicts (2 of 4 stars). 2 submissions from 2 submitters: Uncertain significance (2). Last evaluated 2025-07-03.

Conditions:
Charcot-Marie-Tooth disease axonal type 2T. Identifiers: Orphanet 443950, MedGen C4015635, OMIM 617017, MONDO:0014866.

Allele frequency attached by ClinVar (database versions not stated): gnomAD exomes below 0.00001 and 0.00001; TOPMed 0.00001.
gnomAD v4.1: 12 of 1,612,636 alleles (0.00074%); highest among the groups gnomAD compares: African/African-American, 0.0067%; no homozygotes.

Submissions (2):

Labcorp Genetics (formerly Invitae), Labcorp
Classification: Uncertain significance. Last evaluated: 2025-07-03. Review status: criteria provided, single submitter. Criteria: Invitae Variant Classification Sherloc (09022015). Collection method: clinical testing. Allele origin: germline.
Comment: This sequence change replaces alanine, which is neutral and non-polar, with valine, which is neutral and non-polar, at codon 306 of the MME protein (p.Ala306Val). This variant is present in population databases (no rsID available, gnomAD 0.007%). This missense change has been observed in individual(s) with MME-related conditions (PMID: 33144514). ClinVar contains an entry for this variant (Variation ID: 1339100). Invitae Evidence Modeling of protein sequence and biophysical properties (such as structural, functional, and spatial information, amino acid conservation, physicochemical variation, residue mobility, and thermodynamic stability) indicates that this missense variant is not expected to disrupt MME protein function with a negative predictive value of 80%. In summary, the available evidence is currently insufficient to determine the role of this variant in disease. Therefore, it has been classified as a Variant of Uncertain Significance.

Neuberg Centre For Genomic Medicine, NCGM
Classification: Uncertain significance for Charcot-Marie-Tooth disease axonal type 2T. Review status: criteria provided, single submitter. Criteria: ACMG Guidelines, 2015. Collection method: clinical testing. Allele origin: germline. Affected: yes.
Comment: The missense variant p.A306V in MME (NM_007289.4) has not been reported previously as a pathogenic variant nor as a benign variant, to our knowledge. The p.A306V variant is observed in 1/16,254 (0.0062%) alleles from individuals of African background in gnomAD Exomes and is novel (not in any individuals) in 1000 Genomes. There is a small physicochemical difference between alanine and valine, which is not likely to impact secondary protein structure as these residues share similar properties. For these reasons, this variant has been classified as Uncertain Significance.

Literature cited by the submitters: PubMed 33144514 (cited by Labcorp Genetics (formerly Invitae), Labcorp).

NM_007289.4(MME):c.917C>T (p.Ala306Val)

Gene: MME (membrane metalloendopeptidase; plus strand). Cytogenetic location: 3q25.2.
Variant type: single nucleotide variant.
Coding change: c.917C>T on transcript NM_007289.4 (MANE Select); coding-DNA position 917, C replaced by T.
Protein change: p.Ala306Val; replaces alanine 306 with valine.
Molecular consequence: missense variant.
Genome position (GRCh38, 1-based): chr3:155,140,252, C>T. VCF-style: chr3-155140252-C-T. GRCh37 (hg19) VCF-style: chr3-154858041-C-T.
Other names: c.917C>T, p.Ala306Val (NM_000902.5, NM_001354642.2, NM_001354643.1 and 2 more transcripts); short protein forms A306V.
Identifiers: ClinVar variation 1339100 (VCV001339100.3), dbSNP rs1407756399, ClinGen allele CA355129613.